The following is an entry in ClinVar:

NM_025114.4(CEP290):c.7081C>T (p.Gln2361Ter)

Gene: CEP290 (centrosomal protein 290; minus strand). Cytogenetic location: 12q21.32.
Variant type: single nucleotide variant.
Coding change: c.7081C>T on transcript NM_025114.4 (MANE Select); coding-DNA position 7081, C replaced by T.
Protein change: p.Gln2361Ter; replaces glutamine 2361 with a stop codon.
Molecular consequence: nonsense.
Genome position (GRCh38, 1-based): chr12:88,053,700, G>A on the plus strand (C>T on the coding strand, the complement: CEP290 is on the minus strand). VCF-style: chr12-88053700-G-A. GRCh37 (hg19) VCF-style: chr12-88447477-G-A.
Other names: short protein forms Q2361*.
Identifiers: ClinVar variation 2429287 (VCV002429287.9), dbSNP rs878896889, ClinGen allele CA241147106.

ClinVar aggregate classification (germline): Pathogenic/Likely pathogenic. Review status: criteria provided, multiple submitters, no conflicts (2 of 4 stars). 5 submissions from 5 submitters: Pathogenic (1); Likely pathogenic (4). Last evaluated 2025-06-30.

Conditions:
Meckel-Gruber syndrome. Also called: DYSENCEPHALIA SPLANCHNOCYSTICA; Dysencephalia splachnocystica; GRUBER SYNDROME. Identifiers: Orphanet 564, MedGen C0265215, MONDO:0018921.
Nephronophthisis. Also called: Juvenile Nephronophthisis. Identifiers: Orphanet 655, MedGen C0687120, MONDO:0019005, HP:0000090.
Joubert syndrome. Also called: JOUBERT-BOLTSHAUSER SYNDROME; Familial aplasia of the vermis. Identifiers: Orphanet 475, MedGen C5979921, MONDO:0018772.
CEP290-related disorder. Also called: CEP290-related disorders; CEP290-related condition. Identifiers: MedGen CN239314.
Bardet-Biedl syndrome 14 (BBS14). Identifiers: Orphanet 110, MedGen C2673874, MONDO:0014442, OMIM 615991.
Leber congenital amaurosis (LCA). Also called: Leber's amaurosis. Identifiers: Orphanet 65, MedGen C0339527, MeSH D057130, MONDO:0018998.

Allele frequency attached by ClinVar (database versions not stated): gnomAD exomes below 0.00001.
gnomAD v4.1: 1 of 1,553,784 alleles (0.000064%); highest among the groups gnomAD compares: South Asian, 0.0012%; no homozygotes.

Submissions (5):

Natera, Inc.
Classification: Likely pathogenic for Leber congenital amaurosis. Last evaluated: 2025-06-30. Review status: criteria provided, single submitter. Criteria: Natera Variant Classification Schema (03/2026). Collection method: clinical testing. Allele origin: germline.
Comment: The c.7081C>T variant in CEP290 is a nonsense variant predicted to introduce a stop codon at amino acid 2361. This variant is expected to result in nonsense mediated decay, truncation, or a dysfunctional protein product. This variant is rare in the general population with a frequency below the threshold expected for the associated phenotype(s). Given the available evidence, this variant is classified as Likely Pathogenic.

Blueprint Genetics
Classification: Likely pathogenic for CEP290-related disorders. Last evaluated: 2024-03-04. Review status: criteria provided, single submitter. Criteria: ACMG Guidelines, 2015. Collection method: clinical testing. Allele origin: germline. Affected: yes. Observed: 3 variant alleles.

Labcorp Genetics (formerly Invitae), Labcorp
Classification: Pathogenic for Joubert syndrome; Meckel-Gruber syndrome; Nephronophthisis. Last evaluated: 2023-08-07. Review status: criteria provided, single submitter. Criteria: Invitae Variant Classification Sherloc (09022015). Collection method: clinical testing. Allele origin: germline.
Comment: ClinVar contains an entry for this variant (Variation ID: 2429287). This variant has not been reported in the literature in individuals affected with CEP290-related conditions. This variant is not present in population databases (gnomAD no frequency). This sequence change creates a premature translational stop signal (p.Gln2361*) in the CEP290 gene. It is expected to result in an absent or disrupted protein product. Loss-of-function variants in CEP290 are known to be pathogenic (PMID: 16909394, 17345604, 20690115). For these reasons, this variant has been classified as Pathogenic.

Women's Health and Genetics/Laboratory Corporation of America, LabCorp
Classification: Likely pathogenic for CEP290-related disorder. Last evaluated: 2023-01-07. Review status: criteria provided, single submitter. Criteria: LabCorp Variant Classification Summary - May 2015. Collection method: clinical testing. Allele origin: germline.
Comment: Variant summary: CEP290 c.7081C>T (p.Gln2361X) results in a premature termination codon, predicted to cause a truncation of the encoded protein or absence of the protein due to nonsense mediated decay, which are commonly known mechanisms for disease. Truncations downstream of this position have been classified as pathogenic by our laboratory. The variant was absent in 178080 control chromosomes (gnomAD). To our knowledge, no occurrence of c.7081C>T in individuals affected with CEP290-Related Disorders and no experimental evidence demonstrating its impact on protein function have been reported. No clinical diagnostic laboratories have submitted clinical-significance assessments for this variant to ClinVar after 2014. Based on the evidence outlined above, the variant was classified as likely pathogenic.

Baylor Genetics
Classification: Likely pathogenic for Bardet-Biedl syndrome 14. Last evaluated: 2022-08-03. Review status: criteria provided, single submitter. Criteria: ACMG Guidelines, 2015. Collection method: clinical testing. Allele origin: unknown.

Literature cited by the submitters: PubMed 16909394 (cited by Labcorp Genetics (formerly Invitae), Labcorp); PubMed 17345604 (cited by Labcorp Genetics (formerly Invitae), Labcorp); PubMed 20690115 (cited by Labcorp Genetics (formerly Invitae), Labcorp).